The following is an entry in ClinVar:

ClinVar aggregate classification (germline): Uncertain significance (1 of 4 stars; one submission).

Conditions:
Hereditary sensory and autonomic neuropathy type 6. Also called: Neuropathy, hereditary sensory and autonomic, type VI; HSAN VI. Identifiers: Orphanet 314381, MedGen C3539003, MONDO:0013839, OMIM 614653.
Epidermolysis bullosa simplex 3, localized or generalized intermediate, with BP230 deficiency (EBS3). Also called: Epidermolysis bullosa simplex due to BP230 deficiency; Epidermolysis bullosa simplex, autosomal recessive 2. Identifiers: Orphanet 412181, MedGen C3809470, MONDO:0014180, OMIM 615425.

Allele frequency attached by ClinVar (database versions not stated): TOPMed below 0.00001.

Submission:

Labcorp Genetics (formerly Invitae), Labcorp
Classification: Uncertain significance for Epidermolysis bullosa simplex 3, localized or generalized intermediate, with BP230 deficiency; Hereditary sensory and autonomic neuropathy type 6. Last evaluated: 2022-07-12. Review status: criteria provided, single submitter. Criteria: Invitae Variant Classification Sherloc (09022015). Collection method: clinical testing. Allele origin: germline.
Comment: In summary, the available evidence is currently insufficient to determine the role of this variant in disease. Therefore, it has been classified as a Variant of Uncertain Significance. Algorithms developed to predict the effect of missense changes on protein structure and function (SIFT, PolyPhen-2, Align-GVGD) all suggest that this variant is likely to be disruptive. ClinVar contains an entry for this variant (Variation ID: 651328). This variant has not been reported in the literature in individuals affected with DST-related conditions. This variant is not present in population databases (gnomAD no frequency). This sequence change replaces glutamic acid, which is acidic and polar, with alanine, which is neutral and non-polar, at codon 584 of the DST protein (p.Glu584Ala).

NM_001374736.1(DST):c.3362A>C (p.Glu1121Ala)

Gene: DST (dystonin; minus strand). Cytogenetic location: 6p12.1.
Variant type: single nucleotide variant.
Coding change: c.3362A>C on transcript NM_001374736.1 (MANE Select); coding-DNA position 3362, A replaced by C.
Protein change: p.Glu1121Ala; replaces glutamic acid 1121 with alanine.
Molecular consequence: missense variant.
Genome position (GRCh38, 1-based): chr6:56,634,594, T>G on the plus strand (A>C on the coding strand, the complement: DST is on the minus strand). VCF-style: chr6-56634594-T-G. GRCh37 (hg19) VCF-style: chr6-56499392-T-G.
Other names: c.3263A>C, p.Glu1088Ala (NM_001144769.5); c.2849A>C, p.Glu950Ala (NM_001144770.2); c.3362A>C, p.Glu1121Ala (NM_001374722.1); c.2729A>C, p.Glu910Ala (NM_001374729.1, NM_001374730.1, NM_001386100.1 and 1 more transcripts); c.3389A>C, p.Glu1130Ala (NM_001374734.1); c.1751A>C, p.Glu584Ala (NM_001723.7, NM_015548.5); short protein forms E910A, E1088A, E584A, E950A, E1121A, E1130A.
Identifiers: ClinVar variation 651328 (VCV000651328.9), dbSNP rs1587334353, ClinGen allele CA364576105.